The following is an entry in ClinVar:

ClinVar aggregate classification (germline): Uncertain significance (1 of 4 stars; one submission).

Allele frequency attached by ClinVar (database versions not stated): gnomAD exomes below 0.00001.
gnomAD v4.1: 1 of 1,614,154 alleles (0.000062%); highest among the groups gnomAD compares: East Asian, 0.0022%; no homozygotes.

Submission:

Labcorp Genetics (formerly Invitae), Labcorp
Classification: Uncertain significance. Last evaluated: 2021-11-01. Review status: criteria provided, single submitter. Criteria: Invitae Variant Classification Sherloc (09022015). Collection method: clinical testing. Allele origin: germline.
Comment: In summary, the available evidence is currently insufficient to determine the role of this variant in disease. Therefore, it has been classified as a Variant of Uncertain Significance. Algorithms developed to predict the effect of missense changes on protein structure and function (SIFT, PolyPhen-2, Align-GVGD) all suggest that this variant is likely to be tolerated. This variant has not been reported in the literature in individuals affected with USH1C-related conditions. This variant is not present in population databases (gnomAD no frequency). This sequence change replaces isoleucine, which is neutral and non-polar, with threonine, which is neutral and polar, at codon 288 of the USH1C protein (p.Ile288Thr).

NM_153676.4(USH1C):c.863T>C (p.Ile288Thr)

Gene: USH1C (USH1 protein network component harmonin; minus strand). Cytogenetic location: 11p15.1.
Variant type: single nucleotide variant.
Coding change: c.863T>C on transcript NM_153676.4 (MANE Select); coding-DNA position 863, T replaced by C.
Protein change: p.Ile288Thr; replaces isoleucine 288 with threonine.
Molecular consequence: missense variant. On other transcripts: non-coding transcript variant (1), intron variant (1).
Genome position (GRCh38, 1-based): chr11:17,523,224, A>G on the plus strand (T>C on the coding strand, the complement: USH1C is on the minus strand). VCF-style: chr11-17523224-A-G. GRCh37 (hg19) VCF-style: chr11-17544771-A-G.
Other names: c.863T>C, p.Ile288Thr (NM_005709.4); c.819+195T>C (NM_001297764.2); short protein forms I288T.
Identifiers: ClinVar variation 1390536 (VCV001390536.6), dbSNP rs1850498077, ClinGen allele CA379788880.